The following is an entry in ClinVar:

ClinVar aggregate classification (germline): Pathogenic (1 of 4 stars; one submission).

Conditions:
Muscular dystrophy-dystroglycanopathy (congenital with brain and eye anomalies), type a, 8 (MDDGA8). Also called: WALKER-WARBURG SYNDROME OR MUSCLE-EYE-BRAIN DISEASE, GTDC2-RELATED. Identifiers: Orphanet 899, MedGen C3553813, MONDO:0013904, OMIM 614830.

Submission:

Labcorp Genetics (formerly Invitae), Labcorp
Classification: Pathogenic for Muscular dystrophy-dystroglycanopathy (congenital with brain and eye anomalies), type a, 8. Last evaluated: 2022-07-06. Review status: criteria provided, single submitter. Criteria: Invitae Variant Classification Sherloc (09022015). Collection method: clinical testing. Allele origin: germline.
Comment: This variant has not been reported in the literature in individuals affected with POMGNT2-related conditions. For these reasons, this variant has been classified as Pathogenic. This variant disrupts a region of the POMGNT2 protein in which other variant(s) (p.Gln348*) have been determined to be pathogenic (Invitae). This suggests that this is a clinically significant region of the protein, and that variants that disrupt it are likely to be disease-causing. Algorithms developed to predict the effect of sequence changes on RNA splicing suggest that this variant may create or strengthen a splice site. ClinVar contains an entry for this variant (Variation ID: 859488). This variant is not present in population databases (gnomAD no frequency). This sequence change creates a premature translational stop signal (p.Leu334Serfs*28) in the POMGNT2 gene. While this is not anticipated to result in nonsense mediated decay, it is expected to disrupt the last 247 amino acid(s) of the POMGNT2 protein.

NM_032806.6(POMGNT2):c.1000_1003del (p.Leu334fs)

Gene: POMGNT2 (protein O-linked mannose N-acetylglucosaminyltransferase 2 (beta 1,4-); minus strand). Cytogenetic location: 3p22.1.
Variant type: Deletion.
Coding change: c.1000_1003del on transcript NM_032806.6 (MANE Select); coding-DNA positions 1000 to 1003, 4 bases deleted (CTGG; older notation c.1000_1003delCTGG).
Protein change: p.Leu334fs; shifts the reading frame from leucine 334.
Molecular consequence: frameshift variant.
Genome position (GRCh38, 1-based): chr3:43,080,429-43,080,432, CCAG deleted on the plus strand (CTGG on the coding strand, the reverse complement: POMGNT2 is on the minus strand); deleting any 4 consecutive bases within chr3:43,080,429-43,080,434 gives the same sequence; the c. name uses the placement nearest the transcript's 3' end. VCF-style (leftmost placement, unchanged base first): chr3-43080428-ACCAG-A. GRCh37 (hg19) VCF-style: chr3-43121920-ACCAG-A.
Other names: short protein forms L334fs.
Identifiers: ClinVar variation 859488 (VCV000859488.6), dbSNP rs2089839448, ClinGen allele CA916082568.